The following is an entry in ClinVar:

ClinVar aggregate classification (germline): Conflicting classifications of pathogenicity. Review status: criteria provided, conflicting classifications (1 of 4 stars). 2 submissions from 2 submitters: Uncertain significance (1); Likely benign (1). Last evaluated 2026-04-28.

Conditions:
Cardiovascular phenotype. Identifiers: MedGen CN230736.
Hereditary hemorrhagic telangiectasia (HHT). Also called: ORW DISEASE; Osler Weber Rendu syndrome; OSLER-RENDU-WEBER DISEASE; Osler hemorrhagic telangiectasia syndrome. Identifiers: Orphanet 774, MedGen C0039445, MONDO:0019180. Disease mechanism: loss of function.

Allele frequency attached by ClinVar (database versions not stated): gnomAD exomes below 0.00001; TOPMed below 0.00001.
gnomAD v4.1: 5 of 1,613,964 alleles (0.00031%); highest among the groups gnomAD compares: Non-Finnish European, 0.00034%; no homozygotes.

Submissions (2):

Ambry Genetics
Classification: Uncertain significance for Cardiovascular phenotype. Last evaluated: 2026-04-28. Review status: criteria provided, single submitter. Criteria: Ambry Variant Classification Scheme 2023. Collection method: clinical testing. Allele origin: germline.
Comment: The p.P130L variant (also known as c.389C>T), located in coding exon 4 of the ENG gene, results from a C to T substitution at nucleotide position 389. The proline at codon 130 is replaced by leucine, an amino acid with similar properties. This amino acid position is conserved. In addition, this alteration is predicted to be tolerated by in silico analysis. Based on the available evidence, the clinical significance of this variant remains unclear.

Labcorp Genetics (formerly Invitae), Labcorp
Classification: Likely benign for Hereditary hemorrhagic telangiectasia. Last evaluated: 2024-09-19. Review status: criteria provided, single submitter. Criteria: Invitae Variant Classification Sherloc (09022015). Collection method: clinical testing. Allele origin: germline.

NM_001114753.3(ENG):c.389C>T (p.Pro130Leu)

Gene: ENG (endoglin; minus strand). Cytogenetic location: 9q34.11.
Variant type: single nucleotide variant.
Coding change: c.389C>T on transcript NM_001114753.3 (MANE Select); coding-DNA position 389, C replaced by T.
Protein change: p.Pro130Leu; replaces proline 130 with leucine.
Molecular consequence: missense variant. On other transcripts: 5 prime UTR variant (1).
Genome position (GRCh38, 1-based): chr9:127,826,644, G>A on the plus strand (C>T on the coding strand, the complement: ENG is on the minus strand). VCF-style: chr9-127826644-G-A. GRCh37 (hg19) VCF-style: chr9-130588923-G-A.
Other names: c.389C>T, p.Pro130Leu (NM_000118.4, NM_001406715.1); c.-158C>T (NM_001278138.2); c.389C>T (NM_001114753.1); short protein forms P130L.
Identifiers: ClinVar variation 2813249 (VCV002813249.4), dbSNP rs1413610384, ClinGen allele CA374984370.
Genomic context (GRCh38, chr9:127,826,644, plus strand): 5'-GCCCACTCAAGGATCTGGGTCTTGGGGAAGGATGGCAGCTCTGTGGTGTTGACCCCCGGG[G>A]GCTCTTGGAAGGTGACCAGGCTGGAATTCTGGGGAGACATGTGGAGGCTCAGCACGCTGT-3'
Protein context (NP_001108225.1, residues 120-140): YNSSLVTFQE[Pro130Leu]PGVNTTELPS